The following is an entry in ClinVar:

NM_058216.3(RAD51C):c.611T>A (p.Ile204Asn)

Genes: RAD51C (RAD51 paralog C; plus strand), LOC129390903 (MPRA-validated peak2919 silencer; plus strand). Cytogenetic location: 17q22.
Variant type: single nucleotide variant.
Coding change: c.611T>A on transcript NM_058216.3 (MANE Select); coding-DNA position 611, T replaced by A.
Protein change: p.Ile204Asn; replaces isoleucine 204 with asparagine.
Molecular consequence: missense variant. On other transcripts: non-coding transcript variant (1).
Genome position (GRCh38, 1-based): chr17:58,703,235, T>A. VCF-style: chr17-58703235-T-A. GRCh37 (hg19) VCF-style: chr17-56780596-T-A.
Other names: c.*39T>A (NM_058217.1); short protein forms I204N.
Identifiers: ClinVar variation 1751727 (VCV001751727.2), dbSNP rs2509299402, ClinGen allele CA400349302.

ClinVar aggregate classification (germline): Uncertain significance (1 of 4 stars; one submission).

Conditions:
Hereditary cancer-predisposing syndrome. Also called: Hereditary Cancer Syndrome; Hereditary neoplastic syndrome; Neoplastic Syndromes, Hereditary; Tumor predisposition. Identifiers: Orphanet 140162, MedGen C0027672, MeSH D009386, MONDO:0015356.

Submission:

Ambry Genetics
Classification: Uncertain significance for Hereditary cancer-predisposing syndrome. Last evaluated: 2021-11-10. Review status: criteria provided, single submitter. Criteria: Ambry Variant Classification Scheme 2023. Collection method: clinical testing. Allele origin: germline.
Comment: The p.I204N variant (also known as c.611T>A), located in coding exon 4 of the RAD51C gene, results from a T to A substitution at nucleotide position 611. The isoleucine at codon 204 is replaced by asparagine, an amino acid with dissimilar properties. This amino acid position is highly conserved in available vertebrate species. In addition, the in silico prediction for this alteration is inconclusive. Since supporting evidence is limited at this time, the clinical significance of this alteration remains unclear.